The following is an entry in ClinVar:

NM_014484.5(MOCS3):c.1006_1007delinsTC (p.Val336Ser)

Gene: MOCS3 (molybdenum cofactor synthesis 3; plus strand). Cytogenetic location: 20q13.13.
Variant type: Indel.
Coding change: c.1006_1007delinsTC on transcript NM_014484.5 (MANE Select); coding-DNA positions 1006 to 1007, GT replaced by TC.
Protein change: p.Val336Ser; replaces valine 336 with serine.
Molecular consequence: missense variant.
Genome position (GRCh38, 1-based): chr20:50,959,848-50,959,849, GT replaced by TC. VCF-style: chr20-50959848-GT-TC. GRCh37 (hg19) VCF-style: chr20-49576385-GT-TC.
Other names: short protein forms V336S.
Identifiers: ClinVar variation 2761668 (VCV002761668.3), dbSNP rs2515744816, ClinGen allele CA2697547422.

ClinVar aggregate classification (germline): Uncertain significance (1 of 4 stars; one submission).

Submission:

Labcorp Genetics (formerly Invitae), Labcorp
Classification: Uncertain significance. Last evaluated: 2024-03-02. Review status: criteria provided, single submitter. Criteria: Invitae Variant Classification Sherloc (09022015). Collection method: clinical testing. Allele origin: germline.
Comment: This sequence change replaces valine, which is neutral and non-polar, with serine, which is neutral and polar, at codon 336 of the MOCS3 protein (p.Val336Ser). Information on the frequency of this variant in the gnomAD database is not available, as this variant may be reported differently in the database. This variant has not been reported in the literature in individuals affected with MOCS3-related conditions. An algorithm developed to predict the effect of missense changes on protein structure and function (PolyPhen-2) suggests that this variant is likely to be disruptive. In summary, the available evidence is currently insufficient to determine the role of this variant in disease. Therefore, it has been classified as a Variant of Uncertain Significance.